The following is an entry in ClinVar:

NM_000284.4(PDHA1):c.692C>G (p.Thr231Arg)

Gene: PDHA1 (pyruvate dehydrogenase E1 subunit alpha 1; plus strand). Cytogenetic location: Xp22.12.
Variant type: single nucleotide variant.
Coding change: c.692C>G on transcript NM_000284.4 (MANE Select); coding-DNA position 692, C replaced by G.
Protein change: p.Thr231Arg; replaces threonine 231 with arginine.
Molecular consequence: missense variant.
Genome position (GRCh38, 1-based): chrX:19,355,437, C>G. VCF-style: chrX-19355437-C-G. GRCh37 (hg19) VCF-style: chrX-19373555-C-G.
Other names: c.806C>G, p.Thr269Arg (NM_001173454.2); c.713C>G, p.Thr238Arg (NM_001173455.2); c.599C>G, p.Thr200Arg (NM_001173456.2); short protein forms T231R, T238R, T269R, T200R.
Identifiers: ClinVar variation 650357 (VCV000650357.14), dbSNP rs1272572107, ClinGen allele CA412394554.

ClinVar aggregate classification (germline): Pathogenic/Likely pathogenic. Review status: criteria provided, multiple submitters, no conflicts (2 of 4 stars). 3 submissions from 3 submitters: Pathogenic (1); Likely pathogenic (1). 1 of the submissions does not count toward it. Last evaluated 2020-12-24.

Conditions:
Pyruvate dehydrogenase E1-alpha deficiency (PDHAD). Also called: Ataxia, intermittent, with pyruvate dehydrogenase, or decarboxylase, deficiency; ATAXIA, INTERMITTENT, WITH PYRUVATE DEHYDROGENASE DEFICIENCY; ATAXIA WITH LACTIC ACIDOSIS I; ATAXIA, INTERMITTENT, WITH ABNORMAL PYRUVATE METABOLISM. Identifiers: Orphanet 79243, MedGen C1839413, MONDO:0010717, OMIM 312170.

Submissions (3):

Labcorp Genetics (formerly Invitae), Labcorp
Classification: Pathogenic for Pyruvate dehydrogenase E1-alpha deficiency. Last evaluated: 2020-12-24. Review status: criteria provided, single submitter. Criteria: Invitae Variant Classification Sherloc (09022015). Collection method: clinical testing. Allele origin: germline.
Comment: For these reasons, this variant has been classified as Pathogenic. This variant disrupts the p.Thr231 amino acid residue in PDHA1. Other variant(s) that disrupt this residue have been observed in individuals with PDHA1-related conditions (PMID: 10679936), which suggests that this may be a clinically significant amino acid residue. Algorithms developed to predict the effect of sequence changes on RNA splicing suggest that this variant may create or strengthen a splice site, but this prediction has not been confirmed by published transcriptional studies. Algorithms developed to predict the effect of missense changes on protein structure and function are either unavailable or do not agree on the potential impact of this missense change (SIFT: "Deleterious"; PolyPhen-2: "Probably Damaging"; Align-GVGD: "Class C0"). This variant has been observed in individual(s) with pyruvate dehydrogenase E1-alpha deficiency (Invitae). In at least one individual the variant was observed to be de novo. This variant is not present in population databases (ExAC no frequency). This sequence change replaces threonine with arginine at codon 231 of the PDHA1 protein (p.Thr231Arg). The threonine residue is highly conserved and there is a moderate physicochemical difference between threonine and arginine.

Institute of Human Genetics Munich, TUM University Hospital
Classification: Likely pathogenic for Pyruvate dehydrogenase E1-alpha deficiency. Last evaluated: 2018-02-09. Review status: criteria provided, single submitter. Criteria: Classification criteria August 2017. Collection method: clinical testing. Allele origin: de novo. Inheritance: X-linked inheritance. Affected: yes. Observed: 1 heterozygote.

PDHA1 Study Group, University Children’s Hospital, Paracelsus Medical University
Classification: Likely pathogenic for Pyruvate dehydrogenase E1-alpha deficiency. Last evaluated: 2024-10-15. Review status: no assertion criteria provided. Collection method: research. Allele origin: de novo. Affected: yes. Observed: 1 variant allele. Not counted in ClinVar's aggregate classification.
Comment: The NM_000284.3:c.692C>G (p.Thr231Arg) substitution is a missense variant in PDHA1 gene. Among them, 1 case had confirmed de novo occurrence. Last literature search: July 12, 2024. This variant is absent or extremely rare in population-based cohorts in the Genome Aggregation Database (gnomAD). Individuals harboring this variant presented with clinical features compatible with PDHA1-related PDHc deficiency. In summary, this variant meets criteria to be classified as likely pathogenic (LP) for PDHA1-related PDHc deficiency based on the ACMG/AMP criteria applied: PM1, PM2, PM5, PM7, PP3 (last assessment October 15, 2024).

Literature cited by the submitters: PubMed 10679936 (cited by Labcorp Genetics (formerly Invitae), Labcorp); DOI 10.1093/brain/awaf430 (cited by PDHA1 Study Group, University Children’s Hospital, Paracelsus Medical University).